The following is an entry in ClinVar:

ClinVar aggregate classification (germline): Uncertain significance (1 of 4 stars; one submission).

Submission:

Dasa
Classification: Uncertain significance. Last evaluated: 2025-12-29. Review status: criteria provided, single submitter. Criteria: DASA Assertion Criteria. Collection method: clinical testing. Allele origin: germline.
Comment: NM_130839.5(UBE3A):c.350T>C (p.Ile117Thr) is a missense variant that results in the substitution of isoleucine with threonine. This variant is rare in population databases. Computational prediction algorithms are consistent with a benign effect. The currently available literature and clinical evidence are not sufficient to establish a definitive association between this variant and the reported condition. Therefore, this variant is classified as a variant of uncertain significance.

NM_130839.5(UBE3A):c.350T>C (p.Ile117Thr)

Genes: SNHG14 (small nucleolar RNA host gene 14; plus strand), UBE3A (ubiquitin protein ligase E3A; minus strand). Cytogenetic location: 15q11.2.
Variant type: single nucleotide variant.
Coding change: c.350T>C on transcript NM_130839.5 (MANE Select); coding-DNA position 350, T replaced by C.
Protein change: p.Ile117Thr; replaces isoleucine 117 with threonine.
Molecular consequence: missense variant. On other transcripts: non-coding transcript variant (1).
Genome position (GRCh38, 1-based): chr15:25,375,476, A>G on the plus strand (T>C on the coding strand, the complement: UBE3A is on the minus strand). VCF-style: chr15-25375476-A-G. GRCh37 (hg19) VCF-style: chr15-25620623-A-G.
Other names: c.359T>C, p.Ile120Thr (NM_000462.5); c.350T>C, p.Ile117Thr (NM_001354505.1, NM_001354545.2, NM_001354550.2 and 1 more transcripts); c.290T>C, p.Ile97Thr (NM_001354506.2, NM_001354507.2, NM_001354508.2 and 18 more transcripts); c.173T>C, p.Ile58Thr (NM_001354546.2); short protein forms I117T, I120T, I58T, I97T.
Identifiers: ClinVar variation 4883161 (VCV004883161.2).